The following is an entry in ClinVar:

NM_199242.3(UNC13D):c.761G>T (p.Arg254Leu)

Gene: UNC13D (unc-13 homolog D; minus strand). Cytogenetic location: 17q25.1.
Variant type: single nucleotide variant.
Coding change: c.761G>T on transcript NM_199242.3 (MANE Select); coding-DNA position 761, G replaced by T.
Protein change: p.Arg254Leu; replaces arginine 254 with leucine.
Molecular consequence: missense variant.
Genome position (GRCh38, 1-based): chr17:75,840,322, C>A on the plus strand (G>T on the coding strand, the complement: UNC13D is on the minus strand). VCF-style: chr17-75840322-C-A. GRCh37 (hg19) VCF-style: chr17-73836403-C-A.
Other names: short protein forms R254L.
Identifiers: ClinVar variation 1056192 (VCV001056192.9), dbSNP rs774176637, ClinGen allele CA401109668.

ClinVar aggregate classification (germline): Uncertain significance (1 of 4 stars; one submission).

Conditions:
Familial hemophagocytic lymphohistiocytosis 3 (FHL3). Also called: UNC13D-Related Familial Hemophagocytic Lymphohistiocytosis (UNC13D-fHLH). Identifiers: Orphanet 540, MedGen C1837174, MONDO:0012146, OMIM 608898.

Submission:

Labcorp Genetics (formerly Invitae), Labcorp
Classification: Uncertain significance for Familial hemophagocytic lymphohistiocytosis 3. Last evaluated: 2022-07-12. Review status: criteria provided, single submitter. Criteria: Invitae Variant Classification Sherloc (09022015). Collection method: clinical testing. Allele origin: germline.
Comment: In summary, the available evidence is currently insufficient to determine the role of this variant in disease. Therefore, it has been classified as a Variant of Uncertain Significance. Algorithms developed to predict the effect of missense changes on protein structure and function are either unavailable or do not agree on the potential impact of this missense change (SIFT: "Not Available"; PolyPhen-2: "Benign"; Align-GVGD: "Not Available"). ClinVar contains an entry for this variant (Variation ID: 1056192). This variant has not been reported in the literature in individuals affected with UNC13D-related conditions. This variant is not present in population databases (gnomAD no frequency). This sequence change replaces arginine, which is basic and polar, with leucine, which is neutral and non-polar, at codon 254 of the UNC13D protein (p.Arg254Leu).